The following is an entry in ClinVar:

NM_001105206.3(LAMA4):c.1297C>T (p.Arg433Cys)

Gene: LAMA4 (laminin subunit alpha 4; minus strand). Cytogenetic location: 6q21.
Variant type: single nucleotide variant.
Coding change: c.1297C>T on transcript NM_001105206.3 (MANE Select); coding-DNA position 1297, C replaced by T.
Protein change: p.Arg433Cys; replaces arginine 433 with cysteine.
Molecular consequence: missense variant.
Genome position (GRCh38, 1-based): chr6:112,175,373, G>A on the plus strand (C>T on the coding strand, the complement: LAMA4 is on the minus strand). VCF-style: chr6-112175373-G-A. GRCh37 (hg19) VCF-style: chr6-112496575-G-A.
Other names: c.1276C>T, p.Arg426Cys (NM_001105207.3, NM_002290.5); short protein forms R426C, R433C.
Identifiers: ClinVar variation 1303370 (VCV001303370.11), dbSNP rs1405779338, ClinGen allele CA365371757.

ClinVar aggregate classification (germline): Uncertain significance. Review status: criteria provided, multiple submitters, no conflicts (2 of 4 stars). 3 submissions from 3 submitters: Uncertain significance (3). Last evaluated 2025-08-01.

Conditions:
Cardiovascular phenotype. Identifiers: MedGen CN230736.
Dilated cardiomyopathy 1JJ (CMD1JJ). Identifiers: Orphanet 154, MedGen C3808935, MONDO:0014095, OMIM 615235.

Allele frequency attached by ClinVar (database versions not stated): gnomAD 0.00001; gnomAD exomes 0.00001 and 0.00002; TOPMed 0.00003.

Submissions (3):

Ambry Genetics
Classification: Uncertain significance for Cardiovascular phenotype. Last evaluated: 2025-08-01. Review status: criteria provided, single submitter. Criteria: Ambry Variant Classification Scheme 2023. Collection method: clinical testing. Allele origin: germline.

Labcorp Genetics (formerly Invitae), Labcorp
Classification: Uncertain significance for Dilated cardiomyopathy 1JJ. Last evaluated: 2023-09-11. Review status: criteria provided, single submitter. Criteria: Invitae Variant Classification Sherloc (09022015). Collection method: clinical testing. Allele origin: germline.
Comment: In summary, the available evidence is currently insufficient to determine the role of this variant in disease. Therefore, it has been classified as a Variant of Uncertain Significance. An algorithm developed to predict the effect of missense changes on protein structure and function (PolyPhen-2) suggests that this variant is likely to be disruptive. ClinVar contains an entry for this variant (Variation ID: 1303370). This variant has not been reported in the literature in individuals affected with LAMA4-related conditions. This variant is present in population databases (no rsID available, gnomAD 0.003%). This sequence change replaces arginine, which is basic and polar, with cysteine, which is neutral and slightly polar, at codon 426 of the LAMA4 protein (p.Arg426Cys).

GeneDx
Classification: Uncertain significance. Last evaluated: 2019-07-10. Review status: criteria provided, single submitter. Criteria: GeneDx Variant Classification Process June 2021. Collection method: clinical testing. Allele origin: germline. Affected: yes.
Comment: Has not been previously published as pathogenic or benign to our knowledge; Not observed at a significant frequency in large population cohorts (Lek et al., 2016); In silico analysis, which includes protein predictors and evolutionary conservation, supports a deleterious effect